The following is an entry in ClinVar:

ClinVar aggregate classification (germline): Uncertain significance (1 of 4 stars; one submission).

Conditions:
Malignant hyperthermia, susceptibility to, 5 (MHS5). Also called: CACNA1S-Related Malignant Hyperthermia Susceptibility. Identifiers: Orphanet 423, MedGen C1866077, MONDO:0011163, OMIM 601887.

Submission:

All of Us Research Program, National Institutes of Health
Classification: Uncertain significance for Malignant hyperthermia, susceptibility to, 5. Last evaluated: 2023-02-24. Review status: criteria provided, single submitter. Criteria: ACMG Guidelines, 2015. Collection method: clinical testing. Allele origin: germline. Inheritance: Autosomal dominant inheritance. Observed: 1 variant allele, 1 heterozygote.
Comment: This missense variant replaces glutamic acid with valine at codon 340 of the CACNA1S protein. Computational prediction suggests that this variant may have deleterious impact on protein structure and function (internally defined REVEL score threshold >= 0.7, PMID: 27666373). To our knowledge, functional studies have not been reported for this variant. This variant has not been reported in individuals affected with CACNA1S-related disorders in the literature. This variant has not been identified in the general population by the Genome Aggregation Database (gnomAD). The available evidence is insufficient to determine the role of this variant in disease conclusively. Therefore, this variant is classified as a Variant of Uncertain Significance.

This study involves interpretation of variants in research participants for the purpose of population health screening. Participant phenotype was not available at the time of variant classification. Additional details can be found in publication PMID: 35346344, PMCID: PMC8962531

NM_000069.3(CACNA1S):c.1019A>T (p.Glu340Val)

Gene: CACNA1S (calcium voltage-gated channel subunit alpha1 S; minus strand). Cytogenetic location: 1q32.1.
Variant type: single nucleotide variant.
Coding change: c.1019A>T on transcript NM_000069.3 (MANE Select); coding-DNA position 1019, A replaced by T.
Protein change: p.Glu340Val; replaces glutamic acid 340 with valine.
Molecular consequence: missense variant.
Genome position (GRCh38, 1-based): chr1:201,085,567, T>A on the plus strand (A>T on the coding strand, the complement: CACNA1S is on the minus strand). VCF-style: chr1-201085567-T-A. GRCh37 (hg19) VCF-style: chr1-201054695-T-A.
Other names: short protein forms E340V.
Identifiers: ClinVar variation 3069709 (VCV003069709.1), dbSNP rs2464599565, ClinGen allele CA344130205.